The following is an entry in ClinVar:

ClinVar aggregate classification (germline): Uncertain significance. Review status: criteria provided, multiple submitters, no conflicts (2 of 4 stars). 2 submissions from 2 submitters: Uncertain significance (2). Last evaluated 2024-06-20.

Conditions:
Fanconi anemia (FA). Also called: Fanconi's anemia. Identifiers: Orphanet 84, MedGen C0015625, MeSH D005199, MONDO:0019391.
Fanconi anemia complementation group I (FANCI). Also called: FANCI-Related Fanconi Anemia. Identifiers: Orphanet 84, MedGen C1836861, MONDO:0012186, OMIM 609053.

Allele frequency attached by ClinVar (database versions not stated): TOPMed below 0.00001; gnomAD exomes 0.00001; ExAC 0.00002.
gnomAD v4.1: 84 of 1,614,070 alleles (0.0052%); highest among the groups gnomAD compares: Non-Finnish European, 0.0069%; no homozygotes.

Submissions (2):

Fulgent Genetics
Classification: Uncertain significance for Fanconi anemia complementation group I. Last evaluated: 2024-06-20. Review status: criteria provided, single submitter. Criteria: ACMG Guidelines, 2015. Collection method: clinical testing. Allele origin: germline.

Labcorp Genetics (formerly Invitae), Labcorp
Classification: Uncertain significance for Fanconi anemia. Last evaluated: 2021-08-17. Review status: criteria provided, single submitter. Criteria: Invitae Variant Classification Sherloc (09022015). Collection method: clinical testing. Allele origin: germline.
Comment: This sequence change falls in intron 21 of the FANCI gene. It does not directly change the encoded amino acid sequence of the FANCI protein. This variant is present in population databases (rs534051118, ExAC 0.003%). This variant has not been reported in the literature in individuals affected with FANCI-related conditions. Algorithms developed to predict the effect of sequence changes on RNA splicing suggest that this variant may create or strengthen a splice site. In summary, the available evidence is currently insufficient to determine the role of this variant in disease. Therefore, it has been classified as a Variant of Uncertain Significance.

NM_001113378.2(FANCI):c.2169+8C>G

Gene: FANCI (FA complementation group I; plus strand). Cytogenetic location: 15q26.1.
Variant type: single nucleotide variant.
Coding change: c.2169+8C>G on transcript NM_001113378.2 (MANE Select); 8 bases into the intron after coding-DNA position 2169, C replaced by G.
Molecular consequence: intron variant.
Genome position (GRCh38, 1-based): chr15:89,292,872, C>G. VCF-style: chr15-89292872-C-G. GRCh37 (hg19) VCF-style: chr15-89836103-C-G.
Other names: c.2169+8C>G (NM_018193.3, NM_001376911.1); c.1890+8C>G (NM_001376910.1).
Identifiers: ClinVar variation 1422966 (VCV001422966.4), dbSNP rs534051118, ClinGen allele CA7723292.